The following is an entry in ClinVar:

ClinVar aggregate classification (germline): Conflicting classifications of pathogenicity. Review status: criteria provided, conflicting classifications (1 of 4 stars). 4 submissions from 4 submitters: Uncertain significance (3); Likely benign (1). Last evaluated 2026-07-20.

Conditions:
COL2A1-related disorder. Also called: COL2A1-related condition; COL2A1-related disorders.

Allele frequency attached by ClinVar (database versions not stated): gnomAD exomes below 0.00001; gnomAD 0.00001; TOPMed 0.00002.
gnomAD v4.1: 6 of 1,613,954 alleles (0.00037%); highest among the groups gnomAD compares: East Asian, 0.011%; no homozygotes.

Submissions (4):

PreventionGenetics, part of Exact Sciences
Classification: Uncertain significance for COL2A1-related condition. Last evaluated: 2026-07-20. Review status: criteria provided, single submitter. Criteria: ACMG Guidelines, 2015. Collection method: clinical testing. Allele origin: germline.
Comment: The COL2A1 c.436C>T variant is predicted to result in the amino acid substitution p.Pro146Ser. To our knowledge, this variant has not been reported in the literature. This variant is present in 0.00090% of alleles in individuals of European (Non-Finnish) descent in gnomAD. At this time, the clinical significance of this variant is uncertain due to the absence of conclusive functional and genetic evidence.

Labcorp Genetics (formerly Invitae), Labcorp
Classification: Likely benign. Last evaluated: 2026-02-02. Review status: criteria provided, single submitter. Criteria: Invitae Variant Classification Sherloc (09022015). Collection method: clinical testing. Allele origin: germline.

GeneDx
Classification: Uncertain significance. Last evaluated: 2023-01-19. Review status: criteria provided, single submitter. Criteria: GeneDx Variant Classification Process June 2021. Collection method: clinical testing. Allele origin: germline. Affected: yes.
Comment: Not observed at significant frequency in large population cohorts (gnomAD); In silico analysis supports that this missense variant has a deleterious effect on protein structure/function; Has not been previously published as pathogenic or benign to our knowledge

Blueprint Genetics
Classification: Uncertain significance. Last evaluated: 2022-06-13. Review status: criteria provided, single submitter. Criteria: ACMG Guidelines, 2015. Collection method: clinical testing. Allele origin: germline.

NM_001844.5(COL2A1):c.436C>T (p.Pro146Ser)

Gene: COL2A1 (collagen type II alpha 1 chain; minus strand). Cytogenetic location: 12q13.11.
Variant type: single nucleotide variant.
Coding change: c.436C>T on transcript NM_001844.5 (MANE Select); coding-DNA position 436, C replaced by T.
Protein change: p.Pro146Ser; replaces proline 146 with serine.
Molecular consequence: missense variant.
Genome position (GRCh38, 1-based): chr12:47,997,701, G>A on the plus strand (C>T on the coding strand, the complement: COL2A1 is on the minus strand). VCF-style: chr12-47997701-G-A. GRCh37 (hg19) VCF-style: chr12-48391484-G-A.
Other names: c.229C>T, p.Pro77Ser (NM_033150.3); c.436C>T (NM_001844.4); short protein forms P146S, P77S.
Identifiers: ClinVar variation 1021794 (VCV001021794.11), dbSNP rs1181216326, ClinGen allele CA384524906.
Genomic context (GRCh38, chr12:47,997,701, plus strand): 5'-GACCAGGGGGGCCAGGATTTCCAGGGGTCCCAGGTTCTCCATCTCTGCCACGAGGTCCAG[G>A]GGCACCCTTGGCATAAAGAGAAAAAGGCATCAATGGGAAGCAGTGTTTCTCCAAGAGCCA-3'
Protein context (NP_001835.3, residues 136-156): DRGDKGEKGA[Pro146Ser]GPRGRDGEPG